The following is an entry in ClinVar:

NM_000238.4(KCNH2):c.148G>A (p.Glu50Lys)

Gene: KCNH2 (potassium voltage-gated channel subfamily H member 2; minus strand). Cytogenetic location: 7q36.1.
Variant type: single nucleotide variant.
Coding change: c.148G>A on transcript NM_000238.4 (MANE Select); coding-DNA position 148, G replaced by A.
Protein change: p.Glu50Lys; replaces glutamic acid 50 with lysine.
Molecular consequence: missense variant. On other transcripts: 5 prime UTR variant (1), non-coding transcript variant (1).
Genome position (GRCh38, 1-based): chr7:150,974,870, C>T on the plus strand (G>A on the coding strand, the complement: KCNH2 is on the minus strand). VCF-style: chr7-150974870-C-T. GRCh37 (hg19) VCF-style: chr7-150671958-C-T.
Other names: c.-30G>A (NM_001406755.1); c.148G>A, p.Glu50Lys (NM_172056.3); short protein forms E50K.
Identifiers: ClinVar variation 3386918 (VCV003386918.1).
Genomic context (GRCh38, chr7:150,974,870, plus strand): 5'-GCAGGAAGTCGCAGGTGCAGGGTCGCTGCATCACCTCGGCCCGCGAGTAGCCGCACAGCT[C>T]GCAGAAGCCGTCGTTGCAGTAGATGACGGCGCAGTTCTCCACCCGAGCGTTGGCGATGAT-3'
Protein context (NP_000229.1, residues 40-60): AVIYCNDGFC[Glu50Lys]LCGYSRAEVM

ClinVar aggregate classification (germline): Uncertain significance (1 of 4 stars; one submission).

Conditions:
Long QT syndrome (LQTS). Identifiers: MedGen C0023976, MeSH D008133, MONDO:0002442. Disease mechanism: loss of function. Inheritance: Various modes of inheritance.

Submission:

All of Us Research Program, National Institutes of Health
Classification: Uncertain significance for Long QT syndrome. Last evaluated: 2024-08-06. Review status: criteria provided, single submitter. Criteria: ACMG Guidelines, 2015. Collection method: clinical testing. Allele origin: germline. Inheritance: Autosomal dominant inheritance. Observed: 1 variant allele, 1 heterozygote.
Comment: This study involves interpretation of variants in research participants for the purpose of population health screening. Participant phenotype was not available at the time of variant classification. Additional details can be found in publication PMID: 35346344, PMCID: PMC8962531